The following is an entry in ClinVar:

NM_001174089.2(SLC4A11):c.1846G>A (p.Glu616Lys)

Gene: SLC4A11 (solute carrier family 4 member 11; minus strand). Cytogenetic location: 20p13.
Variant type: single nucleotide variant.
Coding change: c.1846G>A on transcript NM_001174089.2 (MANE Select); coding-DNA position 1846, G replaced by A.
Protein change: p.Glu616Lys; replaces glutamic acid 616 with lysine.
Molecular consequence: missense variant. On other transcripts: non-coding transcript variant (1).
Genome position (GRCh38, 1-based): chr20:3,229,349, C>T on the plus strand (G>A on the coding strand, the complement: SLC4A11 is on the minus strand). VCF-style: chr20-3229349-C-T. GRCh37 (hg19) VCF-style: chr20-3209995-C-T.
Other names: c.1975G>A, p.Glu659Lys (NM_001174090.2); c.1732G>A, p.Glu578Lys (NM_001363745.2); c.1894G>A, p.Glu632Lys (NM_032034.4); short protein forms E578K, E659K, E616K, E632K.
Identifiers: ClinVar variation 1449468 (VCV001449468.5), dbSNP rs1445259508, ClinGen allele CA408087589.

ClinVar aggregate classification (germline): Uncertain significance (1 of 4 stars; one submission).

Allele frequency attached by ClinVar (database versions not stated): gnomAD 0.00001; gnomAD exomes 0.00001; TOPMed 0.00001.
gnomAD v4.1: 11 of 1,613,126 alleles (0.00068%); highest among the groups gnomAD compares: Admixed American, 0.0083%; no homozygotes.

Submission:

Labcorp Genetics (formerly Invitae), Labcorp
Classification: Uncertain significance. Last evaluated: 2022-03-22. Review status: criteria provided, single submitter. Criteria: Invitae Variant Classification Sherloc (09022015). Collection method: clinical testing. Allele origin: germline.
Comment: This sequence change replaces glutamic acid, which is acidic and polar, with lysine, which is basic and polar, at codon 632 of the SLC4A11 protein (p.Glu632Lys). This variant is present in population databases (no rsID available, gnomAD 0.005%). This variant has not been reported in the literature in individuals affected with SLC4A11-related conditions. Algorithms developed to predict the effect of missense changes on protein structure and function output the following: SIFT: "Tolerated"; PolyPhen-2: "Benign"; Align-GVGD: "Class C0". The lysine amino acid residue is found in multiple mammalian species, which suggests that this missense change does not adversely affect protein function. In summary, the available evidence is currently insufficient to determine the role of this variant in disease. Therefore, it has been classified as a Variant of Uncertain Significance.